The following is an entry in ClinVar:

ClinVar aggregate classification (germline): Uncertain significance (1 of 4 stars; one submission).

Conditions:
Inborn genetic diseases. Identifiers: MedGen C0950123, MeSH D030342.

Submission:

Ambry Genetics
Classification: Uncertain significance for Inborn genetic diseases. Last evaluated: 2025-02-15. Review status: criteria provided, single submitter. Criteria: Ambry Variant Classification Scheme 2023. Collection method: clinical testing. Allele origin: germline.
Comment: The p.N147S variant (also known as c.440A>G), located in coding exon 3 of the SBDS gene, results from an A to G substitution at nucleotide position 440. The asparagine at codon 147 is replaced by serine, an amino acid with highly similar properties. This amino acid position is conserved. In addition, this alteration is predicted to be tolerated by in silico analysis. Based on the available evidence, the clinical significance of this variant remains unclear.

NM_016038.4(SBDS):c.440A>G (p.Asn147Ser)

Gene: SBDS (SBDS ribosome maturation factor; minus strand). Cytogenetic location: 7q11.21.
Variant type: single nucleotide variant.
Coding change: c.440A>G on transcript NM_016038.4 (MANE Select); coding-DNA position 440, A replaced by G.
Protein change: p.Asn147Ser; replaces asparagine 147 with serine.
Molecular consequence: missense variant.
Genome position (GRCh38, 1-based): chr7:66,993,236, T>C on the plus strand (A>G on the coding strand, the complement: SBDS is on the minus strand). VCF-style: chr7-66993236-T-C. GRCh37 (hg19) VCF-style: chr7-66458223-T-C.
Other names: short protein forms N147S.
Identifiers: ClinVar variation 3792744 (VCV003792744.1).